The following is an entry in ClinVar:

ClinVar aggregate classification (germline): Uncertain significance (1 of 4 stars; one submission).

Conditions:
Myasthenic syndrome, congenital, 22 (CMS22). Also called: PREPL DEFICIENCY. Identifiers: MedGen C4479088, MONDO:0044299, OMIM 616224.

Allele frequency attached by ClinVar (database versions not stated): TOPMed below 0.00001; gnomAD exomes 0.00001 and 0.00002.
gnomAD v4.1: 31 of 1,612,790 alleles (0.0019%); highest among the groups gnomAD compares: Non-Finnish European, 0.0025%; no homozygotes.

Submission:

Labcorp Genetics (formerly Invitae), Labcorp
Classification: Uncertain significance for Myasthenic syndrome, congenital, 22. Last evaluated: 2024-11-04. Review status: criteria provided, single submitter. Criteria: Invitae Variant Classification Sherloc (09022015). Collection method: clinical testing. Allele origin: germline.
Comment: This sequence change replaces serine, which is neutral and polar, with arginine, which is basic and polar, at codon 716 of the PREPL protein (p.Ser716Arg). This variant is present in population databases (no rsID available, gnomAD 0.002%). This variant has not been reported in the literature in individuals affected with PREPL-related conditions. ClinVar contains an entry for this variant (Variation ID: 1418801). An algorithm developed to predict the effect of missense changes on protein structure and function (PolyPhen-2) suggests that this variant is likely to be tolerated. In summary, the available evidence is currently insufficient to determine the role of this variant in disease. Therefore, it has been classified as a Variant of Uncertain Significance.

NM_001171613.2(PREPL):c.1881T>A (p.Ser627Arg)

Genes: PREPL (prolyl endopeptidase like; minus strand), SLC3A1 (solute carrier family 3 member 1; plus strand). Cytogenetic location: 2p21.
Variant type: single nucleotide variant.
Coding change: c.1881T>A on transcript NM_001171613.2 (MANE Select); coding-DNA position 1881, T replaced by A.
Protein change: p.Ser627Arg; replaces serine 627 with arginine.
Molecular consequence: missense variant. On other transcripts: 3 prime UTR variant (1).
Genome position (GRCh38, 1-based): chr2:44,321,392, A>T on the plus strand (T>A on the coding strand, the complement: PREPL is on the minus strand). VCF-style: chr2-44321392-A-T. GRCh37 (hg19) VCF-style: chr2-44548531-A-T.
Other names: c.*753A>T (NM_000341.4); c.1962T>A, p.Ser654Arg (NM_001042385.2); c.1950T>A, p.Ser650Arg (NM_001042386.2); c.2148T>A, p.Ser716Arg (NM_001171603.1, NM_001171606.2, NM_001374275.1 and 2 more transcripts); c.1881T>A, p.Ser627Arg (NM_001171617.1, NM_001374277.1); short protein forms S627R, S650R, S654R, S716R.
Identifiers: ClinVar variation 1418801 (VCV001418801.6), dbSNP rs1310992094, ClinGen allele CA346687711.